The following is an entry in ClinVar:

NM_000053.4(ATP7B):c.3234C>G (p.Tyr1078Ter)

Gene: ATP7B (ATPase copper transporting beta; minus strand). Cytogenetic location: 13q14.3.
Variant type: single nucleotide variant.
Coding change: c.3234C>G on transcript NM_000053.4 (MANE Select); coding-DNA position 3234, C replaced by G.
Protein change: p.Tyr1078Ter; replaces tyrosine 1078 with a stop codon.
Molecular consequence: nonsense. On other transcripts: intron variant (1).
Genome position (GRCh38, 1-based): chr13:51,944,118, G>C on the plus strand (C>G on the coding strand, the complement: ATP7B is on the minus strand). VCF-style: chr13-51944118-G-C. GRCh37 (hg19) VCF-style: chr13-52518254-G-C.
Other names: c.3234C>G (NM_000053.3); c.2613C>G, p.Tyr871Ter (NM_001005918.3); c.2901C>G, p.Tyr967Ter (NM_001243182.2); c.3000C>G, p.Tyr1000Ter (NM_001330578.2, NM_001406527.1, NM_001406528.1 and 1 more transcripts); c.2982C>G, p.Tyr994Ter (NM_001330579.2, NM_001406531.1, NM_001406532.1); c.3234C>G, p.Tyr1078Ter (NM_001406511.1, NM_001406512.1, NM_001406526.1); c.3228C>G, p.Tyr1076Ter (NM_001406513.1); c.3201C>G, p.Tyr1067Ter (NM_001406514.1); and 20 more; short protein forms Y1046*, Y1060*, Y648*, Y871*, Y967*, Y1019*, Y1030*, Y1078*.
Identifiers: ClinVar variation 3650815 (VCV003650815.3).

ClinVar aggregate classification (germline): Pathogenic/Likely pathogenic. Review status: criteria provided, multiple submitters, no conflicts (2 of 4 stars). 2 submissions from 2 submitters: Pathogenic (1); Likely pathogenic (1). Last evaluated 2025-02-16.

Conditions:
Wilson disease (WND). Also called: Wilson's disease. Identifiers: Orphanet 905, MedGen C0019202, MONDO:0010200, OMIM 277900. Disease mechanism: loss of function.

gnomAD v4.1: 1 of 1,614,134 alleles (0.000062%); highest among the groups gnomAD compares: Non-Finnish European, 0.000085%; no homozygotes.

Submissions (2):

Natera, Inc.
Classification: Likely pathogenic for Wilson disease. Last evaluated: 2025-02-16. Review status: criteria provided, single submitter. Criteria: Natera Variant Classification Schema (03/2026). Collection method: clinical testing. Allele origin: germline.
Comment: The c.3234C>G variant in ATP7B is a nonsense variant predicted to introduce a stop codon at amino acid 1078. This variant is expected to result in nonsense mediated decay, truncation, or a dysfunctional protein product. This variant is rare in the general population with a frequency below the threshold expected for the associated phenotype(s). Given the available evidence, this variant is classified as Likely Pathogenic.

Labcorp Genetics (formerly Invitae), Labcorp
Classification: Pathogenic for Wilson disease. Last evaluated: 2024-04-25. Review status: criteria provided, single submitter. Criteria: Invitae Variant Classification Sherloc (09022015). Collection method: clinical testing. Allele origin: germline.
Comment: This sequence change creates a premature translational stop signal (p.Tyr1078*) in the ATP7B gene. It is expected to result in an absent or disrupted protein product. Loss-of-function variants in ATP7B are known to be pathogenic (PMID: 10441329, 16283883). This variant is not present in population databases (gnomAD no frequency). This variant has not been reported in the literature in individuals affected with ATP7B-related conditions. For these reasons, this variant has been classified as Pathogenic.

Literature cited by the submitters: PubMed 10441329 (cited by Labcorp Genetics (formerly Invitae), Labcorp); PubMed 16283883 (cited by Labcorp Genetics (formerly Invitae), Labcorp).